The following is an entry in ClinVar:

NM_133497.4(KCNV2):c.296T>A (p.Leu99Gln)

Gene: KCNV2 (potassium voltage-gated channel modifier subfamily V member 2; plus strand). Cytogenetic location: 9p24.2.
Variant type: single nucleotide variant.
Coding change: c.296T>A on transcript NM_133497.4 (MANE Select); coding-DNA position 296, T replaced by A.
Protein change: p.Leu99Gln; replaces leucine 99 with glutamine.
Molecular consequence: missense variant.
Genome position (GRCh38, 1-based): chr9:2,718,035, T>A. VCF-style: chr9-2718035-T-A. GRCh37 (hg19) VCF-style: chr9-2718035-T-A.
Other names: short protein forms L99Q.
Identifiers: ClinVar variation 1390260 (VCV001390260.8), dbSNP rs1427633996, ClinGen allele CA372796366.

ClinVar aggregate classification (germline): Uncertain significance (1 of 4 stars; one submission).

Allele frequency attached by ClinVar (database versions not stated): gnomAD exomes below 0.00001 and 0.00002; TOPMed below 0.00001.
gnomAD v4.1: 21 of 1,611,906 alleles (0.0013%); highest among the groups gnomAD compares: Non-Finnish European, 0.0018%; no homozygotes.

Submission:

Labcorp Genetics (formerly Invitae), Labcorp
Classification: Uncertain significance. Last evaluated: 2021-05-27. Review status: criteria provided, single submitter. Criteria: Invitae Variant Classification Sherloc (09022015). Collection method: clinical testing. Allele origin: germline.
Comment: This variant is not present in population databases (ExAC no frequency). This variant has not been reported in the literature in individuals with KCNV2-related conditions. Algorithms developed to predict the effect of missense changes on protein structure and function are either unavailable or do not agree on the potential impact of this missense change (SIFT: "Deleterious"; PolyPhen-2: "Probably Damaging"; Align-GVGD: "Class C0"). Algorithms developed to predict the effect of sequence changes on RNA splicing suggest that this variant may create or strengthen a splice site, but this prediction has not been confirmed by published transcriptional studies. In summary, the available evidence is currently insufficient to determine the role of this variant in disease. Therefore, it has been classified as a Variant of Uncertain Significance. This sequence change replaces leucine with glutamine at codon 99 of the KCNV2 protein (p.Leu99Gln). The leucine residue is highly conserved and there is a moderate physicochemical difference between leucine and glutamine.